The following is an entry in ClinVar:

ClinVar aggregate classification (germline): Uncertain significance (1 of 4 stars; one submission).

Conditions:
SEMA3A-related disorder. Also called: SEMA3A-related condition.

gnomAD v4.1: 2 of 1,614,012 alleles (0.00012%); highest among the groups gnomAD compares: Non-Finnish European, 0.00017%; no homozygotes.

Submission:

PreventionGenetics, part of Exact Sciences
Classification: Uncertain significance for SEMA3A-related condition. Last evaluated: 2026-05-25. Review status: criteria provided, single submitter. Criteria: ACMG Guidelines, 2015. Collection method: clinical testing. Allele origin: germline.
Comment: The SEMA3A c.1232A>G variant is predicted to result in the amino acid substitution p.Asn411Ser. To our knowledge, this variant has not been reported in the literature or in a large population database (gnomAD), indicating this variant is rare. At this time, the clinical significance of this variant is uncertain due to the absence of conclusive functional and genetic evidence.

NM_006080.3(SEMA3A):c.1232A>G (p.Asn411Ser)

Gene: SEMA3A (semaphorin 3A; minus strand). Cytogenetic location: 7q21.11.
Variant type: single nucleotide variant.
Coding change: c.1232A>G on transcript NM_006080.3 (MANE Select); coding-DNA position 1232, A replaced by G.
Protein change: p.Asn411Ser; replaces asparagine 411 with serine.
Molecular consequence: missense variant.
Genome position (GRCh38, 1-based): chr7:84,005,467, T>C on the plus strand (A>G on the coding strand, the complement: SEMA3A is on the minus strand). VCF-style: chr7-84005467-T-C. GRCh37 (hg19) VCF-style: chr7-83634783-T-C.
Other names: short protein forms N411S.
Identifiers: ClinVar variation 4989975 (VCV004989975.1).
Genomic context (GRCh38, chr7:84,005,467, plus strand): 5'-AATTGATAATTTACATCCGTTTTGATCACTATTGGGCGATTGTTCATAGGAAACACTGGA[T>C]TGTACATGGCTGGATGACTTCTTGCAAAGGTTATAACATCATCAGGAAGGTCCTTTGTAG-3'
Protein context (NP_006071.1, residues 401-421): TFARSHPAMY[Asn411Ser]PVFPMNNRPI